The following is an entry in ClinVar:

ClinVar aggregate classification (germline): Uncertain significance (1 of 4 stars; one submission).

Conditions:
Fanconi anemia (FA). Also called: Fanconi's anemia. Identifiers: Orphanet 84, MedGen C0015625, MeSH D005199, MONDO:0019391.

Allele frequency attached by ClinVar (database versions not stated): 1000 Genomes Project 0.00020; gnomAD 0.00001; gnomAD exomes below 0.00001; ExAC 0.00002; 1000 Genomes Project 30x 0.00016.
gnomAD v4.1: 7 of 1,608,636 alleles (0.00044%); highest among the groups gnomAD compares: South Asian, 0.0066%; no homozygotes.

Submission:

Labcorp Genetics (formerly Invitae), Labcorp
Classification: Uncertain significance for Fanconi anemia. Last evaluated: 2025-09-28. Review status: criteria provided, single submitter. Criteria: Invitae Variant Classification Sherloc (09022015). Collection method: clinical testing. Allele origin: germline.
Comment: This sequence change replaces lysine, which is basic and polar, with arginine, which is basic and polar, at codon 1426 of the FANCM protein (p.Lys1426Arg). This variant is present in population databases (rs577570968, gnomAD 0.02%). This variant has not been reported in the literature in individuals affected with FANCM-related conditions. ClinVar contains an entry for this variant (Variation ID: 2901852). An algorithm developed to predict the effect of missense changes on protein structure and function outputs the following: PolyPhen-2: "Benign". The arginine amino acid residue is found in multiple mammalian species, which suggests that this missense change does not adversely affect protein function. In summary, the available evidence is currently insufficient to determine the role of this variant in disease. Therefore, it has been classified as a Variant of Uncertain Significance.

NM_020937.4(FANCM):c.4277A>G (p.Lys1426Arg)

Gene: FANCM (FA complementation group M; plus strand). Cytogenetic location: 14q21.2.
Variant type: single nucleotide variant.
Coding change: c.4277A>G on transcript NM_020937.4 (MANE Select); coding-DNA position 4277, A replaced by G.
Protein change: p.Lys1426Arg; replaces lysine 1426 with arginine.
Molecular consequence: missense variant.
Genome position (GRCh38, 1-based): chr14:45,181,484, A>G. VCF-style: chr14-45181484-A-G. GRCh37 (hg19) VCF-style: chr14-45650687-A-G.
Other names: c.4199A>G, p.Lys1400Arg (NM_001308133.2); short protein forms K1400R, K1426R.
Identifiers: ClinVar variation 2901852 (VCV002901852.3), dbSNP rs577570968, ClinGen allele CA7169673.